The following is an entry in ClinVar:

NM_015692.5(CPAMD8):c.1491G>C (p.Ser497=)

Gene: CPAMD8 (C3 and PZP like alpha-2-macroglobulin domain containing 8; minus strand). Cytogenetic location: 19p13.11.
Variant type: single nucleotide variant.
Coding change: c.1491G>C on transcript NM_015692.5 (MANE Select); coding-DNA position 1491, G replaced by C.
Protein change: p.Ser497=; no amino-acid change (serine 497 retained).
Molecular consequence: synonymous variant.
Genome position (GRCh38, 1-based): chr19:16,980,591, C>G on the plus strand (G>C on the coding strand, the complement: CPAMD8 is on the minus strand). VCF-style: chr19-16980591-C-G. GRCh37 (hg19) VCF-style: chr19-17091401-C-G.
Identifiers: ClinVar variation 2155664 (VCV002155664.28), dbSNP rs200291261, ClinGen allele CA9285688.
Genomic context (GRCh38, chr19:16,980,591, plus strand): 5'-CTCCAGGGCAGGGGCCGCCCGCTTGCTTCGCTGCTGGGTGGTGTGGGCAGGCTGCTGGCC[C>G]GATAGCACAATATTGCCCCGTGCAGCCACCTCGTAGTACAGGGTAAAGTTGCAGGGACAT-3'
Protein context (NP_056507.3, residues 487-507): EVAARGNIVL[Ser497=]GQQPAHTTQQ

ClinVar aggregate classification (germline): Benign/Likely benign. Review status: criteria provided, multiple submitters, no conflicts (2 of 4 stars). 2 submissions from 2 submitters: Benign (1); Likely benign (1). Last evaluated 2023-04-01.

Allele frequency attached by ClinVar (database versions not stated): 1000 Genomes Project 30x 0.00016; ESP Exome Variant Server 0.00016; 1000 Genomes Project 0.00020.
gnomAD v4.1: 218 of 1,613,422 alleles (0.014%); highest among the groups gnomAD compares: Admixed American, 0.023%; 1 homozygote.

Submissions (2):

CeGaT Center for Human Genetics Tuebingen
Classification: Likely benign. Last evaluated: 2023-04-01. Review status: criteria provided, single submitter. Criteria: CeGaT Center For Human Genetics Tuebingen Variant Classification Criteria Version 2. Collection method: clinical testing. Allele origin: germline. Affected: yes. Observed: 1 variant allele.
Comment: CPAMD8: BP4, BP7

Labcorp Genetics (formerly Invitae), Labcorp
Classification: Benign. Last evaluated: 2022-08-05. Review status: criteria provided, single submitter. Criteria: Invitae Variant Classification Sherloc (09022015). Collection method: clinical testing. Allele origin: germline.